The following is an entry in ClinVar:

NM_020662.4(MRS2):c.728_729del (p.Glu243fs)

Gene: MRS2 (magnesium transporter MRS2; plus strand). Cytogenetic location: 6p22.3.
Variant type: Microsatellite.
Coding change: c.728_729del on transcript NM_020662.4 (MANE Select); coding-DNA positions 728 to 729, 2 bases deleted (AG; older notation c.728_729delAG).
Protein change: p.Glu243fs; shifts the reading frame from glutamic acid 243.
Molecular consequence: frameshift variant. On other transcripts: non-coding transcript variant (1).
Genome position (GRCh38, 1-based): chr6:24,416,405-24,416,406, AG deleted; deleting any 2 consecutive bases within chr6:24,416,403-24,416,406 gives the same sequence; the c. name uses the placement nearest the transcript's 3' end. VCF-style (leftmost placement, unchanged base first): chr6-24416402-CAG-C. GRCh37 (hg19) VCF-style: chr6-24416630-CAG-C.
Other names: c.737_738del, p.Glu246fs (NM_001286264.2); c.728_729del, p.Glu243fs (NM_001286265.2); c.578_579del, p.Glu193fs (NM_001286266.2); short protein forms E193fs, E243fs, E246fs.
Identifiers: ClinVar variation 4856638 (VCV004856638.1).
Genomic context (GRCh38, chr6:24,416,402, plus strand): 5'-AAATGTTCTTATAAGTTTATTCTATTGATCATTTTTGTGTATCTATTTCTTATAGTCTAT[CAG>C]AGTTAGAAACAGATATTAAAATTTTCAAAGAGTCAATTTTGGAGATCTTGGATGAGGAAG-3'

ClinVar aggregate classification (germline): Pathogenic (1 of 4 stars; one submission).

Conditions:
Leber-like hereditary optic neuropathy, autosomal recessive.

Submission:

Laboratory of Inherited Metabolic Diseases, Research centre for medical genetics
Classification: Pathogenic for Leber-like hereditary optic neuropathy, autosomal recessive. Last evaluated: 2026-05-26. Review status: criteria provided, single submitter. Criteria: ACMG Guidelines, 2015. Collection method: clinical testing. Allele origin: germline. Affected: yes. Observed: 1 variant allele, 1 homozygote.
Comment: The NM_020662.4:c.728_729del, is a frame-shift variant in MRS2 which is predicted to result in a premature stop codon at position 249 (p.Glu243Valfs*6), and likely results in an absent or disrupted protein product (PVS1_8 points). The variant has been identified as a homozygous occurrence, without confirmation of paternity. The variant is located within an extended (980 kbp) loss-of-heterozygosity region, and uniparental segmental disomy is suspected. The variant is reported in gnomAD v3.1.2 with an allele frequency of 0.003291%, and in gnomAD v4.1.1 with a frequency of 0.006161% (PM2_sup_1 point). No homozygotes have been reported. Phenotypes associated with the MRS2 gene have not been described in the OMIM database. MRS2 is a Mg²⁺ transporter, specifically a magnesium channel protein on the inner mitochondrial membrane, involved in regulating magnesium homeostasis within mitochondria. It functions as a molecular channel that imports cytosolic Mg²⁺ into the mitochondrial matrix to regulate mitochondrial metabolism [PMID: 39609651]. Evidence suggests an association between decreased MRS2 expression and neurodegeneration, suppressed oxidative phosphorylation, and reduced cell viability. A deficiency of mitochondrial respiratory chain complex I has been detected in cell culture [PMID: 18384665] (PS3_Sup_1 point). In summary, this variant meets criteria to be classified as pathogenic for optic neuropathy based on the ACMG/AMP criteria applied: PVS1, PM2_Sup, PS3_Sup.

Literature cited by the submitters: PubMed 39609651; PubMed 18384665.